The following is an entry in ClinVar:

ClinVar aggregate classification (germline): Benign. Review status: criteria provided, multiple submitters, no conflicts (2 of 4 stars). 2 submissions from 2 submitters: Benign (2). Last evaluated 2026-02-04.

Conditions:
Meckel-Gruber syndrome. Also called: DYSENCEPHALIA SPLANCHNOCYSTICA; GRUBER SYNDROME; Dysencephalia splachnocystica. Identifiers: Orphanet 564, MedGen C0265215, MONDO:0018921.
Nephronophthisis. Also called: Juvenile Nephronophthisis. Identifiers: Orphanet 655, MedGen C0687120, MONDO:0019005, HP:0000090.
Joubert syndrome. Also called: CEREBELLOPARENCHYMAL DISORDER IV; Familial aplasia of the vermis; JOUBERT-BOLTSHAUSER SYNDROME. Identifiers: Orphanet 475, MedGen C5979921, MONDO:0018772.

Allele frequency attached by ClinVar (database versions not stated): gnomAD exomes 0.08628; ESP Exome Variant Server 0.22873; 1000 Genomes Project 0.23542; TOPMed 0.24065; 1000 Genomes Project 30x 0.24282.

Submissions (2):

Labcorp Genetics (formerly Invitae), Labcorp
Classification: Benign for Joubert syndrome; Meckel-Gruber syndrome; Nephronophthisis. Last evaluated: 2026-02-04. Review status: criteria provided, single submitter. Criteria: Invitae Variant Classification Sherloc (09022015). Collection method: clinical testing. Allele origin: germline.

GeneDx
Classification: Benign. Last evaluated: 2013-12-20. Review status: criteria provided, single submitter. Criteria: GeneDx Variant Classification (06012015). Collection method: clinical testing. Allele origin: germline. Affected: yes.
Comment: This variant is considered likely benign or benign based on one or more of the following criteria: it is a conservative change, it occurs at a poorly conserved position in the protein, it is predicted to be benign by multiple in silico algorithms, and/or has population frequency not consistent with disease.

NM_025114.4(CEP290):c.2268= (p.Ser756=)

Gene: CEP290 (centrosomal protein 290; minus strand). Cytogenetic location: 12q21.32.
Variant type: single nucleotide variant.
Coding change: c.2268= on transcript NM_025114.4 (MANE Select); coding-DNA position 2268, no change from the reference sequence.
Protein change: p.Ser756=; no amino-acid change (serine 756 retained).
Molecular consequence: no sequence alteration.
Genome position: GRCh38 VCF-style: chr12-88111301-T-T. GRCh37 (hg19) VCF-style: chr12-88505078-T-T.
Other names: p.S756S:TCG>TCA.
Identifiers: ClinVar variation 136728 (VCV000136728.12), dbSNP rs2468255.